The following is an entry in ClinVar:

ClinVar aggregate classification (germline): Uncertain significance. Review status: criteria provided, multiple submitters, no conflicts (2 of 4 stars). 3 submissions from 3 submitters: Uncertain significance (3). Last evaluated 2025-02-14.

Conditions:
Classic or attenuated familial adenomatous polyposis. Identifiers: MedGen CN372698, MONDO:0021057.
Hereditary cancer-predisposing syndrome. Also called: Tumor predisposition; Hereditary Cancer Syndrome; Hereditary neoplastic syndrome; Neoplastic Syndromes, Hereditary. Identifiers: Orphanet 140162, MedGen C0027672, MeSH D009386, MONDO:0015356.
Familial adenomatous polyposis 1 (FAP1). Also called: FAMILIAL ADENOMATOUS POLYPOSIS 1, ATTENUATED; POLYPOSIS, ADENOMATOUS INTESTINAL. Identifiers: MedGen C2713442, MONDO:0021056, OMIM 175100. Disease mechanism: loss of function.

Submissions (3):

Ambry Genetics
Classification: Uncertain significance for Hereditary cancer-predisposing syndrome. Last evaluated: 2025-02-14. Review status: criteria provided, single submitter. Criteria: Ambry Variant Classification Scheme 2023. Collection method: clinical testing. Allele origin: germline.
Comment: The p.V830L variant (also known as c.2488G>C), located in coding exon 15 of the APC gene, results from a G to C substitution at nucleotide position 2488. The valine at codon 830 is replaced by leucine, an amino acid with highly similar properties. This amino acid position is conserved. In addition, in silico predictors for this gene do not accurately predict pathogenicity. Based on the available evidence, the clinical significance of this variant remains unclear.

All of Us Research Program, National Institutes of Health
Classification: Uncertain significance for Classic or attenuated familial adenomatous polyposis. Last evaluated: 2024-07-29. Review status: criteria provided, single submitter. Criteria: ACMG Guidelines, 2015. Collection method: clinical testing. Allele origin: germline. Inheritance: Autosomal dominant inheritance. Observed: 1 variant allele, 1 heterozygote.
Comment: This missense variant replaces valine with leucine at codon 830 of the APC protein. Computational prediction suggests that this variant may not impact protein structure and function (internally defined REVEL score threshold <= 0.5, PMID: 27666373). To our knowledge, functional studies have not been reported for this variant. This variant has not been reported in individuals affected with APC-related disorders in the literature. This variant has not been identified in the general population by the Genome Aggregation Database (gnomAD). The available evidence is insufficient to determine the role of this variant in disease conclusively. Therefore, this variant is classified as a Variant of Uncertain Significance.

This study involves interpretation of variants in research participants for the purpose of population health screening. Participant phenotype was not available at the time of variant classification. Additional details can be found in publication PMID: 35346344, PMCID: PMC8962531

Labcorp Genetics (formerly Invitae), Labcorp
Classification: Uncertain significance for Familial adenomatous polyposis 1. Last evaluated: 2023-09-17. Review status: criteria provided, single submitter. Criteria: Invitae Variant Classification Sherloc (09022015). Collection method: clinical testing. Allele origin: germline.
Comment: In summary, the available evidence is currently insufficient to determine the role of this variant in disease. Therefore, it has been classified as a Variant of Uncertain Significance. Advanced modeling of protein sequence and biophysical properties (such as structural, functional, and spatial information, amino acid conservation, physicochemical variation, residue mobility, and thermodynamic stability) performed at Invitae indicates that this missense variant is not expected to disrupt APC protein function. ClinVar contains an entry for this variant (Variation ID: 537535). This variant has not been reported in the literature in individuals affected with APC-related conditions. This variant is not present in population databases (gnomAD no frequency). This sequence change replaces valine, which is neutral and non-polar, with leucine, which is neutral and non-polar, at codon 830 of the APC protein (p.Val830Leu).

NM_000038.6(APC):c.2488G>C (p.Val830Leu)

Gene: APC (APC regulator of Wnt signaling pathway; plus strand). Cytogenetic location: 5q22.2.
Variant type: single nucleotide variant.
Coding change: c.2488G>C on transcript NM_000038.6 (MANE Select); coding-DNA position 2488, G replaced by C.
Protein change: p.Val830Leu; replaces valine 830 with leucine.
Molecular consequence: missense variant.
Genome position (GRCh38, 1-based): chr5:112,838,082, G>C. VCF-style: chr5-112838082-G-C. GRCh37 (hg19) VCF-style: chr5-112173779-G-C.
Other names: c.2488G>C, p.Val830Leu (NM_001127510.3, NM_001354895.2); c.2434G>C, p.Val812Leu (NM_001127511.3); c.2542G>C, p.Val848Leu (NM_001354896.2); c.2518G>C, p.Val840Leu (NM_001354897.2); c.2413G>C, p.Val805Leu (NM_001354898.2); c.2404G>C, p.Val802Leu (NM_001354899.2); c.2365G>C, p.Val789Leu (NM_001354900.2); c.2311G>C, p.Val771Leu (NM_001354901.2); and 5 more; short protein forms V812L, V830L, V670L, V840L, V739L, V547L, V704L, V789L.
Identifiers: ClinVar variation 537535 (VCV000537535.12), dbSNP rs1554084209, ClinGen allele CA16026791.
Genomic context (GRCh38, chr5:112,838,082, plus strand): 5'-AGGTCAGACAATTTTAATACTGGCAACATGACTGTCCTTTCACCATATTTGAATACTACA[G>C]TGTTACCCAGCTCCTCTTCATCAAGAGGAAGCTTAGATAGTTCTCGTTCTGAAAAAGATA-3'
Protein context (NP_000029.2, residues 820-840): TVLSPYLNTT[Val830Leu]LPSSSSSRGS